The following is an entry in ClinVar:

ClinVar aggregate classification (germline): Uncertain significance (1 of 4 stars; one submission).

Allele frequency attached by ClinVar (database versions not stated): gnomAD exomes 0.00001; ExAC 0.00002; gnomAD 0.00002; TOPMed 0.00006.
gnomAD v4.1: 14 of 1,608,166 alleles (0.00087%); highest among the groups gnomAD compares: African/African-American, 0.004%; no homozygotes.

Submission:

Labcorp Genetics (formerly Invitae), Labcorp
Classification: Uncertain significance. Last evaluated: 2025-08-25. Review status: criteria provided, single submitter. Criteria: Invitae Variant Classification Sherloc (09022015). Collection method: clinical testing. Allele origin: germline.
Comment: This sequence change replaces threonine, which is neutral and polar, with alanine, which is neutral and non-polar, at codon 281 of the RPSA protein (p.Thr281Ala). This variant is present in population databases (rs751903033, gnomAD 0.003%). This variant has not been reported in the literature in individuals affected with RPSA-related conditions. ClinVar contains an entry for this variant (Variation ID: 2414909). An algorithm developed to predict the effect of missense changes on protein structure and function (PolyPhen-2) suggests that this variant is likely to be tolerated. In summary, the available evidence is currently insufficient to determine the role of this variant in disease. Therefore, it has been classified as a Variant of Uncertain Significance.

NM_002295.6(RPSA):c.841A>G (p.Thr281Ala)

Gene: RPSA (ribosomal protein SA; plus strand). Cytogenetic location: 3p22.1.
Variant type: single nucleotide variant.
Coding change: c.841A>G on transcript NM_002295.6 (MANE Select); coding-DNA position 841, A replaced by G.
Protein change: p.Thr281Ala; replaces threonine 281 with alanine.
Molecular consequence: missense variant.
Genome position (GRCh38, 1-based): chr3:39,412,321, A>G. VCF-style: chr3-39412321-A-G. GRCh37 (hg19) VCF-style: chr3-39453812-A-G.
Other names: c.841A>G, p.Thr281Ala (NM_001012321.1); c.856A>G, p.Thr286Ala (NM_001304288.2); short protein forms T281A, T286A.
Identifiers: ClinVar variation 2414909 (VCV002414909.6), dbSNP rs751903033, ClinGen allele CA2327944.